The following is an entry in ClinVar:

NM_012414.4(RAB3GAP2):c.39C>T (p.Asp13=)

Gene: RAB3GAP2 (RAB3 GTPase activating non-catalytic protein subunit 2; minus strand). Cytogenetic location: 1q41.
Variant type: single nucleotide variant.
Coding change: c.39C>T on transcript NM_012414.4 (MANE Select); coding-DNA position 39, C replaced by T.
Protein change: p.Asp13=; no amino-acid change (aspartic acid 13 retained).
Molecular consequence: synonymous variant.
Genome position (GRCh38, 1-based): chr1:220,272,299, G>A on the plus strand (C>T on the coding strand, the complement: RAB3GAP2 is on the minus strand). VCF-style: chr1-220272299-G-A. GRCh37 (hg19) VCF-style: chr1-220445641-G-A.
Identifiers: ClinVar variation 295673 (VCV000295673.26), dbSNP rs145667920, ClinGen allele CA1403160.
Genomic context (GRCh38, chr1:220,272,299, plus strand): 5'-GGCGCCGCTGAGGATCTCCTCCCGCAGGTGAGGAAAGAGGAAGTCCCGGGCGGCCTGGAG[G>A]TCCTGGAAGTAGCAGAACTGGACAATGGAGCAGGCCATGGCTCCAGGGAACCCCACTACG-3'
Protein context (NP_036546.2, residues 3-23): CSIVQFCYFQ[Asp13=]LQAARDFLFP

ClinVar aggregate classification (germline): Benign/Likely benign. Review status: criteria provided, multiple submitters, no conflicts (2 of 4 stars). 8 submissions from 7 submitters: Benign (1); Likely benign (6). 1 of the submissions does not count toward it. Last evaluated 2025-12-21.

Conditions:
RAB3GAP2-related disorder. Also called: RAB3GAP2-related condition; RAB3GAP2-related disorders.
Warburg micro syndrome 2 (WARBM2). Also called: MICRO SYNDROME 2. Identifiers: Orphanet 2510, MedGen C3280214, MONDO:0013641, OMIM 614225.
Martsolf syndrome (MARTS). Also called: Congenital cataract with intellectual disability and hypogonadotropic hypogonadism syndrome. Identifiers: Orphanet 1387, MedGen C0796037, MONDO:0023910.

Allele frequency attached by ClinVar (database versions not stated): ExAC 0.00044; 1000 Genomes Project 0.00120; gnomAD 0.00136 and 0.00149; 1000 Genomes Project 30x 0.00141; TOPMed 0.00156; ESP Exome Variant Server 0.00208; gnomAD exomes 0.00012 and 0.00031.
gnomAD v4.1: 392 of 1,612,502 alleles (0.024%); highest among the groups gnomAD compares: African/African-American, 0.49%; 2 homozygotes.

Submissions (8):

Labcorp Genetics (formerly Invitae), Labcorp
Classification: Benign for Martsolf syndrome; Warburg micro syndrome 2. Last evaluated: 2025-12-21. Review status: criteria provided, single submitter. Criteria: Invitae Variant Classification Sherloc (09022015). Collection method: clinical testing. Allele origin: germline.

Blueprint Genetics
Classification: Likely benign. Last evaluated: 2024-11-25. Review status: criteria provided, single submitter. Criteria: ACMG Guidelines, 2015. Collection method: clinical testing. Allele origin: germline.

GeneDx
Classification: Likely benign. Last evaluated: 2021-09-14. Review status: criteria provided, single submitter. Criteria: GeneDx Variant Classification Process June 2021. Collection method: clinical testing. Allele origin: germline. Affected: yes.

Illumina Laboratory Services, Illumina
Classification: Likely benign for Warburg micro syndrome 2. Last evaluated: 2018-01-13. Review status: criteria provided, single submitter. Criteria: ICSL Variant Classification Criteria 13 December 2019. Collection method: clinical testing. Allele origin: germline.
Comment: This variant was observed in the ICSL laboratory as part of a predisposition screen in an ostensibly healthy population. It had not been previously curated by ICSL or reported in the Human Gene Mutation Database (HGMD: prior to June 1st, 2018), and was therefore a candidate for classification through an automated scoring system. Utilizing variant allele frequency, disease prevalence and penetrance estimates, and inheritance mode, an automated score was calculated to assess if this variant is too frequent to cause the disease. Based on the score and internal cut-off values, a variant classified as likely benign is not then subjected to further curation. The score for this variant resulted in a classification of likely benign for this disease.

Illumina Laboratory Services, Illumina
Classification: Likely benign for Martsolf syndrome 1. Last evaluated: 2018-01-13. Review status: criteria provided, single submitter. Criteria: ICSL Variant Classification Criteria 13 December 2019. Collection method: clinical testing. Allele origin: germline.
Comment: the same text as in the submission from Illumina Laboratory Services, Illumina above.

Eurofins Ntd Llc (ga)
Classification: Likely benign. Last evaluated: 2017-05-23. Review status: criteria provided, single submitter. Criteria: EGL Classification Definitions 2015. Collection method: clinical testing. Allele origin: germline. Observed: 1 variant allele, 1 heterozygote.

Breakthrough Genomics
Classification: Likely benign. Review status: criteria provided, single submitter. Criteria: ACMG Guidelines, 2015. Collection method: not provided. Allele origin: germline. Inheritance: Autosomal recessive inheritance. Affected: yes.

PreventionGenetics, part of Exact Sciences
Classification: Likely benign for RAB3GAP2-related condition. Last evaluated: 2023-08-29. Review status: no assertion criteria provided. Collection method: clinical testing. Allele origin: germline. Not counted in ClinVar's aggregate classification.
Comment: This variant is classified as likely benign based on ACMG/AMP sequence variant interpretation guidelines (Richards et al. 2015 PMID: 25741868, with internal and published modifications).